The following is an entry in ClinVar:

ClinVar aggregate classification (germline): Uncertain significance (1 of 4 stars; one submission).

Submission:

GeneDx
Classification: Uncertain significance. Last evaluated: 2024-10-31. Review status: criteria provided, single submitter. Criteria: GeneDx Variant Classification Process June 2021. Collection method: clinical testing. Allele origin: germline. Affected: yes.
Comment: Not observed at significant frequency in large population cohorts (gnomAD); In silico analysis indicates that this missense variant does not alter protein structure/function; Has not been previously published as pathogenic or benign to our knowledge

NM_000719.7(CACNA1C):c.5996C>A (p.Thr1999Asn)

Genes: CACNA1C (calcium voltage-gated channel subunit alpha1 C; plus strand), CACNA1C-AS1 (CACNA1C antisense RNA 1; minus strand). Cytogenetic location: 12p13.33.
Variant type: single nucleotide variant.
Coding change: c.5996C>A on transcript NM_000719.7 (MANE Select); coding-DNA position 5996, C replaced by A.
Protein change: p.Thr1999Asn; replaces threonine 1999 with asparagine.
Molecular consequence: missense variant.
Genome position (GRCh38, 1-based): chr12:2,688,658, C>A. VCF-style: chr12-2688658-C-A. GRCh37 (hg19) VCF-style: chr12-2797824-C-A.
Other names: c.6140C>A, p.Thr2047Asn (NM_001129827.2); c.6119C>A, p.Thr2040Asn (NM_001129829.2); c.6101C>A, p.Thr2034Asn (NM_001129830.3, NM_001167624.3); c.6080C>A, p.Thr2027Asn (NM_001129831.2); c.6056C>A, p.Thr2019Asn (NM_001129832.2); c.6053C>A, p.Thr2018Asn (NM_001129833.2, NM_001129834.2, NM_001129835.2); c.6047C>A, p.Thr2016Asn (NM_001129836.2); c.6020C>A, p.Thr2007Asn (NM_001129837.2, NM_001129838.2); and 6 more; short protein forms T1988N, T1996N, T1999N, T2005N, T2007N, T2016N, T2018N, T2019N.
Identifiers: ClinVar variation 3897316 (VCV003897316.1).